The following is an entry in ClinVar:

NM_000379.4(XDH):c.2108T>A (p.Ile703Lys)

Gene: XDH (xanthine dehydrogenase; minus strand). Cytogenetic location: 2p23.1.
Variant type: single nucleotide variant.
Coding change: c.2108T>A on transcript NM_000379.4 (MANE Select); coding-DNA position 2108, T replaced by A.
Protein change: p.Ile703Lys; replaces isoleucine 703 with lysine.
Molecular consequence: missense variant.
Genome position (GRCh38, 1-based): chr2:31,368,050, A>T on the plus strand (T>A on the coding strand, the complement: XDH is on the minus strand). VCF-style: chr2-31368050-A-T. GRCh37 (hg19) VCF-style: chr2-31590916-A-T.
Other names: short protein forms I703K.
Identifiers: ClinVar variation 3190977 (VCV003190977.4), dbSNP rs142848703, ClinGen allele CA1598938.

ClinVar aggregate classification (germline): Uncertain significance. Review status: criteria provided, multiple submitters, no conflicts (2 of 4 stars). 3 submissions from 3 submitters: Uncertain significance (3). Last evaluated 2025-04-13.

Conditions:
Inborn genetic diseases. Identifiers: MedGen C0950123, MeSH D030342.
Xanthinuria type II. Also called: Xanthine dehydrogenase and aldehyde oxidase combined deficiency of; XDH and AOX dual deficiency. Identifiers: Orphanet 3467, Orphanet 93602, MedGen C1863688, MONDO:0011346, OMIM 603592.
Hereditary xanthinuria type 1 (XAN1). Identifiers: Orphanet 3467, Orphanet 93601, MedGen C0268118, MONDO:0010209, OMIM 278300.

Allele frequency attached by ClinVar (database versions not stated): gnomAD exomes 0.00001; ExAC 0.00004; gnomAD 0.00011; TOPMed 0.00016; ESP Exome Variant Server 0.00023.
gnomAD v4.1: 33 of 1,613,992 alleles (0.002%); highest among the groups gnomAD compares: African/African-American, 0.039%; no homozygotes.

Submissions (3):

Ambry Genetics
Classification: Uncertain significance for Inborn genetic diseases. Last evaluated: 2025-04-13. Review status: criteria provided, single submitter. Criteria: Ambry Variant Classification Scheme 2023. Collection method: clinical testing. Allele origin: germline.

Labcorp Genetics (formerly Invitae), Labcorp
Classification: Uncertain significance for Xanthinuria type II. Last evaluated: 2024-08-31. Review status: criteria provided, single submitter. Criteria: Invitae Variant Classification Sherloc (09022015). Collection method: clinical testing. Allele origin: germline.
Comment: This sequence change replaces isoleucine, which is neutral and non-polar, with lysine, which is basic and polar, at codon 703 of the XDH protein (p.Ile703Lys). This variant is present in population databases (rs142848703, gnomAD 0.05%). This variant has not been reported in the literature in individuals affected with XDH-related conditions. An algorithm developed to predict the effect of missense changes on protein structure and function (PolyPhen-2) suggests that this variant is likely to be disruptive. In summary, the available evidence is currently insufficient to determine the role of this variant in disease. Therefore, it has been classified as a Variant of Uncertain Significance.

Fulgent Genetics
Classification: Uncertain significance for Hereditary xanthinuria type 1. Last evaluated: 2024-05-10. Review status: criteria provided, single submitter. Criteria: ACMG Guidelines, 2015. Collection method: clinical testing. Allele origin: germline.